The following is an entry in ClinVar:

NC_000003.11:g.(?_189689659)_(189690833_?)del

Gene: P3H2 (prolyl 3-hydroxylase 2; minus strand). Cytogenetic location: 3q28.
Variant type: Deletion.
Identifiers: ClinVar variation 2426456 (VCV002426456.4).

ClinVar aggregate classification (germline): Pathogenic (1 of 4 stars; one submission).

Submission:

Labcorp Genetics (formerly Invitae), Labcorp
Classification: Pathogenic. Last evaluated: 2022-08-19. Review status: criteria provided, single submitter. Criteria: Invitae Variant Classification Sherloc (09022015). Collection method: clinical testing. Allele origin: germline.
Comment: For these reasons, this variant has been classified as Pathogenic. This variant has not been reported in the literature in individuals affected with P3H2-related conditions. This variant is a gross deletion of the genomic region encompassing exon(s) 11-12 of the P3H2 gene. This deletion is out-of-frame, and is expected to create a premature termination codon and result in an absent or disrupted protein product. Loss-of-function variants in P3H2 are known to be pathogenic (PMID: 24172257, 25469533).

Literature cited by the submitters: PubMed 24172257; PubMed 25469533.